The following is an entry in ClinVar:

NM_001105206.3(LAMA4):c.1057G>T (p.Val353Leu)

Gene: LAMA4 (laminin subunit alpha 4; minus strand). Cytogenetic location: 6q21.
Variant type: single nucleotide variant.
Coding change: c.1057G>T on transcript NM_001105206.3 (MANE Select); coding-DNA position 1057, G replaced by T.
Protein change: p.Val353Leu; replaces valine 353 with leucine.
Molecular consequence: missense variant.
Genome position (GRCh38, 1-based): chr6:112,185,257, C>A on the plus strand (G>T on the coding strand, the complement: LAMA4 is on the minus strand). VCF-style: chr6-112185257-C-A. GRCh37 (hg19) VCF-style: chr6-112506459-C-A.
Other names: c.1036G>T, p.Val346Leu (NM_001105207.3, NM_002290.5); short protein forms V353L, V346L.
Identifiers: ClinVar variation 1919237 (VCV001919237.5), dbSNP rs781919461, ClinGen allele CA365374511.

ClinVar aggregate classification (germline): Uncertain significance (1 of 4 stars; one submission).

Conditions:
Dilated cardiomyopathy 1JJ (CMD1JJ). Identifiers: Orphanet 154, MedGen C3808935, MONDO:0014095, OMIM 615235.

Submission:

Labcorp Genetics (formerly Invitae), Labcorp
Classification: Uncertain significance for Dilated cardiomyopathy 1JJ. Last evaluated: 2022-08-23. Review status: criteria provided, single submitter. Criteria: Invitae Variant Classification Sherloc (09022015). Collection method: clinical testing. Allele origin: germline.
Comment: In summary, the available evidence is currently insufficient to determine the role of this variant in disease. Therefore, it has been classified as a Variant of Uncertain Significance. Algorithms developed to predict the effect of missense changes on protein structure and function output the following: SIFT: "Tolerated"; PolyPhen-2: "Benign"; Align-GVGD: "Class C0". The leucine amino acid residue is found in multiple mammalian species, which suggests that this missense change does not adversely affect protein function. This variant has not been reported in the literature in individuals affected with LAMA4-related conditions. This variant is not present in population databases (gnomAD no frequency). This sequence change replaces valine, which is neutral and non-polar, with leucine, which is neutral and non-polar, at codon 346 of the LAMA4 protein (p.Val346Leu).